The following is an entry in ClinVar:

ClinVar aggregate classification (germline): Likely benign (1 of 4 stars; one submission).

gnomAD v4.1: 2 of 1,614,100 alleles (0.00012%); highest among the groups gnomAD compares: Admixed American, 0.0033%; no homozygotes.

Submission:

CeGaT Center for Human Genetics Tuebingen
Classification: Likely benign. Last evaluated: 2026-07-01. Review status: criteria provided, single submitter. Criteria: CeGaT Center For Human Genetics Tuebingen Variant Classification Criteria Version 2. Collection method: clinical testing. Allele origin: germline. Affected: yes. Observed: 1 variant allele.
Comment: FLG: BP4

NM_002016.2(FLG):c.3293G>T (p.Ser1098Ile)

Genes: CCDST (cervical cancer associated DHX9 suppressive transcript; plus strand), FLG (filaggrin; minus strand). Cytogenetic location: 1q21.3.
Variant type: single nucleotide variant.
Coding change: c.3293G>T on transcript NM_002016.2 (MANE Select); coding-DNA position 3293, G replaced by T.
Protein change: p.Ser1098Ile; replaces serine 1098 with isoleucine.
Molecular consequence: missense variant.
Genome position (GRCh38, 1-based): chr1:152,311,593, C>A on the plus strand (G>T on the coding strand, the complement: FLG is on the minus strand). VCF-style: chr1-152311593-C-A. GRCh37 (hg19) VCF-style: chr1-152284069-C-A.
Other names: short protein forms S1098I.
Identifiers: ClinVar variation 5039439 (VCV005039439.1).
Genomic context (GRCh38, chr1:152,311,593, plus strand): 5'-ATGAAAGACCCTGAACGTCCAGACCTTCCCCCTGACCAGTCACGTGCGGACTCTTGGTGG[C>A]TCTGCTGATGGGGCCCATCCTGTCCATGGCCTGACACTGACTGTGTGTCTGACTCCTCTG-3'
Protein context (NP_002007.1, residues 1088-1108): GHGQDGPHQQ[Ser1098Ile]HQESARDWSG